The following is an entry in ClinVar:

NM_017763.6(RNF43):c.2295G>A (p.Leu765=)

Gene: RNF43 (ring finger protein 43; minus strand). Cytogenetic location: 17q22.
Variant type: single nucleotide variant.
Coding change: c.2295G>A on transcript NM_017763.6 (MANE Select); coding-DNA position 2295, G replaced by A.
Protein change: p.Leu765=; no amino-acid change (leucine 765 retained).
Molecular consequence: synonymous variant.
Genome position (GRCh38, 1-based): chr17:58,357,481, C>T on the plus strand (G>A on the coding strand, the complement: RNF43 is on the minus strand). VCF-style: chr17-58357481-C-T. GRCh37 (hg19) VCF-style: chr17-56434842-C-T.
Other names: c.2295G>A, p.Leu765= (NM_001305544.3, NM_001438820.1, NM_001438821.1 and 1 more transcripts); c.1914G>A, p.Leu638= (NM_001305545.2, NM_001437987.1).
Identifiers: ClinVar variation 5042397 (VCV005042397.1).

ClinVar aggregate classification (germline): Benign (1 of 4 stars; one submission).

Conditions:
Sessile serrated polyposis cancer syndrome (SSPCS). Identifiers: Orphanet 157798, MedGen C4310714, MONDO:0014919, OMIM 617108.

Submission:

Myriad Genetics, Inc.
Classification: Benign for Sessile serrated polyposis cancer syndrome. Last evaluated: 2026-07-02. Review status: criteria provided, single submitter. Criteria: Myriad Autosomal Dominant, Autosomal Recessive and X-Linked Classification Criteria (2023). Collection method: clinical testing. Allele origin: unknown.
Comment: This variant is considered benign. This variant is a silent/synonymous amino acid change and it is not expected to impact splicing.